The following is an entry in ClinVar:

NM_000257.4(MYH7):c.1578G>T (p.Lys526Asn)

Gene: MYH7 (myosin heavy chain 7; minus strand). Cytogenetic location: 14q11.2.
Variant type: single nucleotide variant.
Coding change: c.1578G>T on transcript NM_000257.4 (MANE Select); coding-DNA position 1578, G replaced by T.
Protein change: p.Lys526Asn; replaces lysine 526 with asparagine.
Molecular consequence: missense variant.
Genome position (GRCh38, 1-based): chr14:23,428,500, C>A on the plus strand (G>T on the coding strand, the complement: MYH7 is on the minus strand). VCF-style: chr14-23428500-C-A. GRCh37 (hg19) VCF-style: chr14-23897709-C-A.
Other names: c.1578G>T (LRG_384t1); short protein forms K526N.
Identifiers: ClinVar variation 426417 (VCV000426417.2), dbSNP rs1085307615, ClinGen allele CA389050283.

ClinVar aggregate classification (germline): Uncertain significance (1 of 4 stars; one submission).

Submission:

GeneDx
Classification: Uncertain significance. Last evaluated: 2017-04-17. Review status: criteria provided, single submitter. Criteria: GeneDx Variant Classification (06012015). Collection method: clinical testing. Allele origin: germline. Affected: yes.
Comment: A variant of uncertain significance has been identified in the MYH7 gene. The c.1578 G>T (K526N) variant has not been published as pathogenic or been reported as benign to our knowledge. This variant is also not observed in large population cohorts (Lek et al., 2016; 1000 Genomes Consortium et al., 2015; Exome Variant Server). The c.1578 G>T substitution is located at the last nucleotide position of exon 15 and could be functionally significant at the mRNA or protein level. At the mRNA level, this nucleotide position is conserved across species and two of three in silico splice prediction algorithms predict that this variant damages the canonical splice donor site of intron 15 and may lead to abnormal gene splicing. However, in the absence of functional mRNA studies, the physiological consequence of this variant cannot be precisely determined. At the protein level, K526N is a semi-conservative amino acid substitution, which may impact secondary protein structure as these residues differ in some properties. Furthermore, this amino acid substitution occurs at a position that is conserved across species and in silico analysis predicts this variant is probably damaging to the protein structure/function. Nevertheless, this variant has not been observed in a significant number of affected individuals, and it lacks both segregation and functional studies which would further clarify its pathogenicity.